The following is an entry in ClinVar:

NM_182641.4(BPTF):c.3568G>A (p.Glu1190Lys)

Gene: BPTF (bromodomain PHD finger transcription factor; plus strand). Cytogenetic location: 17q24.2.
Variant type: single nucleotide variant.
Coding change: c.3568G>A on transcript NM_182641.4 (MANE Select); coding-DNA position 3568, G replaced by A.
Protein change: p.Glu1190Lys; replaces glutamic acid 1190 with lysine.
Molecular consequence: missense variant.
Genome position (GRCh38, 1-based): chr17:67,911,452, G>A. VCF-style: chr17-67911452-G-A. GRCh37 (hg19) VCF-style: chr17-65907568-G-A.
Other names: c.3946G>A, p.Glu1316Lys (NM_004459.7); short protein forms E1316K, E1190K.
Identifiers: ClinVar variation 2782731 (VCV002782731.1), dbSNP rs146298889, ClinGen allele CA8725658.

ClinVar aggregate classification (germline): Uncertain significance (1 of 4 stars; one submission).

Allele frequency attached by ClinVar (database versions not stated): gnomAD exomes below 0.00001; ExAC 0.00002; gnomAD 0.00003; TOPMed 0.00004; ESP Exome Variant Server 0.00023.
gnomAD v4.1: 9 of 1,613,942 alleles (0.00056%); highest among the groups gnomAD compares: African/African-American, 0.011%; no homozygotes.

Submission:

Labcorp Genetics (formerly Invitae), Labcorp
Classification: Uncertain significance. Last evaluated: 2023-07-19. Review status: criteria provided, single submitter. Criteria: Invitae Variant Classification Sherloc (09022015). Collection method: clinical testing. Allele origin: germline.
Comment: This sequence change replaces glutamic acid, which is acidic and polar, with lysine, which is basic and polar, at codon 1316 of the BPTF protein (p.Glu1316Lys). In summary, the available evidence is currently insufficient to determine the role of this variant in disease. Therefore, it has been classified as a Variant of Uncertain Significance. An algorithm developed to predict the effect of missense changes on protein structure and function (PolyPhen-2) suggests that this variant¬†is likely to be tolerated. This variant has not been reported in the literature in individuals affected with BPTF-related conditions. This variant is present in population databases (rs146298889, gnomAD 0.02%).